The following is an entry in ClinVar:

NM_006031.6(PCNT):c.113C>T (p.Thr38Met)

Genes: PCNT (pericentrin; plus strand), LOC128092249 (uncharacterized LOC128092249; plus strand). Cytogenetic location: 21q22.3.
Variant type: single nucleotide variant.
Coding change: c.113C>T on transcript NM_006031.6 (MANE Select); coding-DNA position 113, C replaced by T.
Protein change: p.Thr38Met; replaces threonine 38 with methionine.
Molecular consequence: missense variant. On other transcripts: 5 prime UTR variant (1).
Genome position (GRCh38, 1-based): chr21:46,326,435, C>T. VCF-style: chr21-46326435-C-T. GRCh37 (hg19) VCF-style: chr21-47746349-C-T.
Other names: c.148C>T, p.Arg50Trp (NM_001414902.1); c.-242C>T (NM_001315529.2); short protein forms R50W, T38M.
Identifiers: ClinVar variation 4988525 (VCV004988525.1).

ClinVar aggregate classification (germline): Uncertain significance (1 of 4 stars; one submission).

Conditions:
PCNT-related disorder. Also called: PCNT-related condition.

gnomAD v4.1: 6 of 1,614,062 alleles (0.00037%); highest among the groups gnomAD compares: East Asian, 0.0022%; no homozygotes.

Submission:

PreventionGenetics, part of Exact Sciences
Classification: Uncertain significance for PCNT-related condition. Last evaluated: 2026-06-20. Review status: criteria provided, single submitter. Criteria: ACMG Guidelines, 2015. Collection method: clinical testing. Allele origin: germline.
Comment: The PCNT c.113C>T variant is predicted to result in the amino acid substitution p.Thr38Met. To our knowledge, this variant has not been reported in the literature. This variant is reported in 0.0062% of alleles in individuals of African descent in gnomAD. At this time, the clinical significance of this variant is uncertain due to the absence of conclusive functional and genetic evidence.